The following is an entry in ClinVar:

NM_000419.5(ITGA2B):c.682C>T (p.Gln228Ter)

Gene: ITGA2B (integrin subunit alpha 2b; minus strand). Cytogenetic location: 17q21.31.
Variant type: single nucleotide variant.
Coding change: c.682C>T on transcript NM_000419.5 (MANE Select); coding-DNA position 682, C replaced by T.
Protein change: p.Gln228Ter; replaces glutamine 228 with a stop codon.
Molecular consequence: nonsense.
Genome position (GRCh38, 1-based): chr17:44,385,065, G>A on the plus strand (C>T on the coding strand, the complement: ITGA2B is on the minus strand). VCF-style: chr17-44385065-G-A. GRCh37 (hg19) VCF-style: chr17-42462433-G-A.
Other names: short protein forms Q228*.
Identifiers: ClinVar variation 953056 (VCV000953056.3), dbSNP rs2048632227, ClinGen allele CA399805421.

ClinVar aggregate classification (germline): Pathogenic (3 of 4 stars; one submission).

Conditions:
Glanzmann thrombasthenia. Also called: BLEEDING DISORDER, PLATELET-TYPE, 2; THROMBASTHENIA OF GLANZMANN AND NAEGELI; PLATELET GLYCOPROTEIN IIb-IIIa DEFICIENCY; Glanzmann's thrombasthenia; Thrombasthenia. Identifiers: Orphanet 849, MedGen C0040015, MONDO:0100326.

Submission:

ClinGen Platelet Disorders Variant Curation Expert Panel, ClinGen
Classification: Pathogenic for Glanzmann thrombasthenia. Last evaluated: 2020-09-06. Review status: reviewed by expert panel. Criteria: ClinGen Platelet ACMG Specifications v2. Collection method: curation. Allele origin: germline. Inheritance: Autosomal recessive inheritance.
Comment: The nonsense variant, NM_000419.4:c.682C>T (p.Gln228Ter), is expected to cause NMD of the resulting transcript. The variant is absent from population databases. The variant is reported in two compound heterozygous individual (PMIDs: 25728920 and 16463284). In summary, based on the evidence available at this time, the variant is classified as pathogenic. GT-specific criteria applied: PVS1, PM2_supporting, PP4_strong.

Literature cited by the submitters: PubMed 16463284; PubMed 25728920; PubMed 22250950.